The following is an entry in ClinVar:

ClinVar aggregate classification (germline): Conflicting classifications of pathogenicity. Review status: criteria provided, conflicting classifications (1 of 4 stars). 4 submissions from 4 submitters: Uncertain significance (2); Benign (2). Last evaluated 2025-08-07.

Conditions:
Inborn genetic diseases. Identifiers: MedGen C0950123, MeSH D030342.
Collagen 6-related myopathy. Identifiers: MedGen CN117976, MONDO:0100225.
Bethlem myopathy 1A. Also called: MYOPATHY, BENIGN CONGENITAL, WITH CONTRACTURES; Bethlem myopathy 1; Bethlem Muscular Dystrophy. Identifiers: Orphanet 610, MedGen CN029274, MONDO:0024530, OMIM 158810.

Allele frequency attached by ClinVar (database versions not stated): ExAC 0.00006; gnomAD exomes 0.00006 and 0.00007; TOPMed 0.00010; gnomAD 0.00011 and 0.00013; ESP Exome Variant Server 0.00016.
gnomAD v4.1: 121 of 1,608,136 alleles (0.0075%); highest among the groups gnomAD compares: African/African-American, 0.013%; no homozygotes.

Submissions (4):

Ambry Genetics
Classification: Uncertain significance for Inborn genetic diseases. Last evaluated: 2025-08-07. Review status: criteria provided, single submitter. Criteria: Ambry Variant Classification Scheme 2023. Collection method: clinical testing. Allele origin: germline.

Labcorp Genetics (formerly Invitae), Labcorp
Classification: Benign for Bethlem myopathy 1A. Last evaluated: 2024-09-24. Review status: criteria provided, single submitter. Criteria: Invitae Variant Classification Sherloc (09022015). Collection method: clinical testing. Allele origin: germline.

Revvity Omics, Revvity
Classification: Uncertain significance. Last evaluated: 2023-01-10. Review status: criteria provided, single submitter. Criteria: ACMG Guidelines, 2015. Collection method: clinical testing. Allele origin: germline.

Illumina Laboratory Services, Illumina
Classification: Benign for Collagen VI-related myopathy. Last evaluated: 2018-01-13. Review status: criteria provided, single submitter. Criteria: ICSL Variant Classification Criteria 13 December 2019. Collection method: clinical testing. Allele origin: germline.
Comment: This variant was observed in the ICSL laboratory as part of a predisposition screen in an ostensibly healthy population. It had not been previously curated by ICSL or reported in the Human Gene Mutation Database (HGMD: prior to June 1st, 2018), and was therefore a candidate for classification through an automated scoring system. Utilizing variant allele frequency, disease prevalence and penetrance estimates, and inheritance mode, an automated score was calculated to assess if this variant is too frequent to cause the disease. Based on the score and internal cut-off values, a variant classified as benign is not then subjected to further curation. The score for this variant resulted in a classification of benign for this disease.

NM_001849.4(COL6A2):c.542G>A (p.Arg181His)

Gene: COL6A2 (collagen type VI alpha 2 chain; plus strand). Cytogenetic location: 21q22.3.
Variant type: single nucleotide variant.
Coding change: c.542G>A on transcript NM_001849.4 (MANE Select); coding-DNA position 542, G replaced by A.
Protein change: p.Arg181His; replaces arginine 181 with histidine.
Molecular consequence: missense variant.
Genome position (GRCh38, 1-based): chr21:46,112,405, G>A. VCF-style: chr21-46112405-G-A. GRCh37 (hg19) VCF-style: chr21-47532319-G-A.
Other names: c.542G>A, p.Arg181His (NM_058174.3, NM_058175.3); short protein forms R181H.
Identifiers: ClinVar variation 340361 (VCV000340361.19), dbSNP rs371640468, ClinGen allele CA10071329.